The following is an entry in ClinVar:

ClinVar aggregate classification (germline): Uncertain significance. Review status: criteria provided, multiple submitters, no conflicts (2 of 4 stars). 2 submissions from 2 submitters: Uncertain significance (2). Last evaluated 2024-07-11.

Conditions:
Growth hormone insensitivity with immune dysregulation 1, autosomal recessive. Also called: Laron syndrome with immunodeficiency; GROWTH HORMONE INSENSITIVITY DUE TO POSTRECEPTOR DEFECT; LARON SYNDROME DUE TO POSTRECEPTOR DEFECT; GROWTH HORMONE INSENSITIVITY SYNDROME WITH IMMUNE DYSREGULATION 1, AUTOSOMAL RECESSIVE. Identifiers: Orphanet 220465, MedGen C5435698, MONDO:0100211, OMIM 245590.

gnomAD v4.1: 4 of 1,613,720 alleles (0.00025%); highest among the groups gnomAD compares: Non-Finnish European, 0.00034%; no homozygotes.

Submissions (2):

Blueprint Genetics
Classification: Uncertain significance. Last evaluated: 2024-07-11. Review status: criteria provided, single submitter. Criteria: ACMG Guidelines, 2015. Collection method: clinical testing. Allele origin: germline.

Labcorp Genetics (formerly Invitae), Labcorp
Classification: Uncertain significance for Growth hormone insensitivity with immune dysregulation 1, autosomal recessive. Last evaluated: 2023-04-28. Review status: criteria provided, single submitter. Criteria: Invitae Variant Classification Sherloc (09022015). Collection method: clinical testing. Allele origin: germline.
Comment: In summary, the available evidence is currently insufficient to determine the role of this variant in disease. Therefore, it has been classified as a Variant of Uncertain Significance. Advanced modeling of protein sequence and biophysical properties (such as structural, functional, and spatial information, amino acid conservation, physicochemical variation, residue mobility, and thermodynamic stability) performed at Invitae indicates that this missense variant is not expected to disrupt STAT5B protein function. This variant has not been reported in the literature in individuals affected with STAT5B-related conditions. This variant is not present in population databases (gnomAD no frequency). This sequence change replaces alanine, which is neutral and non-polar, with glutamic acid, which is acidic and polar, at codon 20 of the STAT5B protein (p.Ala20Glu).

NM_012448.4(STAT5B):c.59C>A (p.Ala20Glu)

Gene: STAT5B (signal transducer and activator of transcription 5B; minus strand). Cytogenetic location: 17q21.2.
Variant type: single nucleotide variant.
Coding change: c.59C>A on transcript NM_012448.4 (MANE Select); coding-DNA position 59, C replaced by A.
Protein change: p.Ala20Glu; replaces alanine 20 with glutamic acid.
Molecular consequence: missense variant.
Genome position (GRCh38, 1-based): chr17:42,232,069, G>T on the plus strand (C>A on the coding strand, the complement: STAT5B is on the minus strand). VCF-style: chr17-42232069-G-T. GRCh37 (hg19) VCF-style: chr17-40384087-G-T.
Other names: short protein forms A20E.
Identifiers: ClinVar variation 2961682 (VCV002961682.4), dbSNP rs935891734, ClinGen allele CA399593947.